The following is an entry in ClinVar:

ClinVar aggregate classification (germline): Likely pathogenic. Review status: reviewed by expert panel (3 of 4 stars). 14 submissions from 14 submitters: Likely pathogenic (1). 13 of the submissions do not count toward it. Last evaluated 2026-04-29.

Conditions:
Muscular dystrophy, limb-girdle, autosomal dominant 4. Also called: MUSCULAR DYSTROPHY, LIMB-GIRDLE, TYPE 1I; Calpain-3-related limb-girdle muscular dystrophy D4. Identifiers: Orphanet 565909, MedGen C4748295, MONDO:0029133, OMIM 618129.
Autosomal recessive limb-girdle muscular dystrophy type 2A (LGMDR1). Also called: Limb-girdle muscular dystrophy, type 2A; LEYDEN-MOEBIUS MUSCULAR DYSTROPHY; MUSCULAR DYSTROPHY, PELVOFEMORAL; Calpainopathy; Muscular dystrophy, limb-girdle, type 2A, Amish. Identifiers: Orphanet 267, MedGen C1869123, MONDO:0009675, OMIM 253600. Disease mechanism: loss of function.
Autosomal recessive limb-girdle muscular dystrophy. Identifiers: Orphanet 102015, MedGen C2931907, MONDO:0015152.
Abnormality of the musculature. Identifiers: MedGen C4021745, HP:0003011.

Allele frequency attached by ClinVar (database versions not stated): TOPMed 0.00002; gnomAD 0.00004 and 0.00005; 1000 Genomes Project 30x 0.00016; 1000 Genomes Project 0.00020.
gnomAD v4.1: 43 of 1,614,050 alleles (0.0027%); highest among the groups gnomAD compares: African/African-American, 0.008%; no homozygotes.

Submissions (14):

ClinGen Limb Girdle Muscular Dystrophy Variant Curation Expert Panel, ClinGen
Classification: Likely pathogenic for Autosomal recessive limb-girdle muscular dystrophy. Last evaluated: 2026-04-29. Review status: reviewed by expert panel. Criteria: ClinGen LGMD VCEP ACMG Specifications CAPN3 V2.0.0. Collection method: curation. Allele origin: germline. Inheritance: Autosomal recessive inheritance.
Comment: The NM_000070.3: c.865C>T variant in CAPN3 is a missense variant expected to cause substitution of arginine with tryptophan at amino acid position 289 (p.Arg289Trp). The variant has been detected in at least 5 patients with LGMD (PMID: 7236769, 18337726, 37526466, 33505349, 30919934), including confirmed in trans with a pathogenic variant in two patients (c.1981del p.(Ile661Ter), 1.0 pts x2) and in unknown phase with a pathogenic variant in two patients (c.550del, 0.5 pts x2) (PM3_Strong). At least one patient with this variant and a second CAPN3 variant displayed progressive limb girdle muscle weakness and severely reduced expression of calpain-3 protein in skeletal muscle, which is specific for CAPN3-related LGMD (PMID: 18337726; PP4_Moderate). The upper bound of the 95% confidence interval of the Grpmax variant allele frequency is 0.0001579 in gnomAD v4.1.1 (6/74992 African/ African American chromosomes), which is greater than the ClinGen LGMD VCEP threshold for PM2_supporting (≤0.0001) (PM2_Supporting not met). The computational predictor Revel gives a score of 0.52, which is below the threshold of 0.70 (PP3 not met). In summary, this variant meets the criteria to be classified as Likely Pathogenic for autosomal recessive limb girdle muscular dystrophy based on the ACMG/AMP criteria applied, as specified by the ClinGen LGMD VCEP (specifications v2.0.0; 04/29/2026): PM3_Strong, PP4_Moderate.

Mendelics
Classification: Pathogenic for Autosomal recessive limb-girdle muscular dystrophy type 2A. Last evaluated: 2026-03-05. Review status: criteria provided, single submitter. Criteria: ACMG Guidelines, 2015. Collection method: clinical testing. Allele origin: unknown. Not counted in ClinVar's aggregate classification.
Comment: Likely pathogenic/Pathogenic according to ACMG criteria.

Labcorp Genetics (formerly Invitae), Labcorp
Classification: Pathogenic for Autosomal recessive limb-girdle muscular dystrophy type 2A. Last evaluated: 2025-01-13. Review status: criteria provided, single submitter. Criteria: Invitae Variant Classification Sherloc (09022015). Collection method: clinical testing. Allele origin: germline. Not counted in ClinVar's aggregate classification.
Comment: This sequence change replaces arginine, which is basic and polar, with tryptophan, which is neutral and slightly polar, at codon 289 of the CAPN3 protein (p.Arg289Trp). This variant is present in population databases (rs528417986, gnomAD 0.01%). This missense change has been observed in individual(s) with autosomal recessive limb-girdle muscular dystrophy (PMID: 17236769, 18337726, 25135358). In at least one individual the data is consistent with being in trans (on the opposite chromosome) from a pathogenic variant. ClinVar contains an entry for this variant (Variation ID: 282646). Invitae Evidence Modeling of protein sequence and biophysical properties (such as structural, functional, and spatial information, amino acid conservation, physicochemical variation, residue mobility, and thermodynamic stability) indicates that this missense variant is expected to disrupt CAPN3 protein function with a positive predictive value of 80%. For these reasons, this variant has been classified as Pathogenic.

Natera, Inc.
Classification: Pathogenic for Limb-girdle muscular dystrophy type 2A. Last evaluated: 2024-12-10. Review status: criteria provided, single submitter. Criteria: Natera Variant Classification Schema (03/2026). Collection method: clinical testing. Allele origin: germline. Not counted in ClinVar's aggregate classification.
Comment: The c.865C>T variant in CAPN3 is a missense variant predicted to cause substitution of arginine to tryptophan at amino acid 289. This variant is rare in the general population with a frequency below the threshold expected for the associated phenotype(s). This variant has been observed in one or more individuals affected with the associated recessive disease, as either homozygous or compound heterozygous with a second variant (PMID: 18337726, 17236769, 33505349, 19015158, 22443334). Computational prediction algorithms indicate this variant is likely to affect gene or protein function. Given the available evidence, this variant is classified as Pathogenic.

Fulgent Genetics
Classification: Likely pathogenic for Autosomal recessive limb-girdle muscular dystrophy type 2A; Muscular dystrophy, limb-girdle, autosomal dominant 4. Last evaluated: 2024-06-17. Review status: criteria provided, single submitter. Criteria: ACMG Guidelines, 2015. Collection method: clinical testing. Allele origin: germline. Not counted in ClinVar's aggregate classification.

Baylor Genetics
Classification: Likely pathogenic for Muscular dystrophy, limb-girdle, autosomal dominant 4. Last evaluated: 2024-03-19. Review status: criteria provided, single submitter. Criteria: ACMG Guidelines, 2015. Collection method: clinical testing. Allele origin: unknown. Not counted in ClinVar's aggregate classification.

Women's Health and Genetics/Laboratory Corporation of America, LabCorp
Classification: Likely pathogenic for Autosomal recessive limb-girdle muscular dystrophy. Last evaluated: 2022-06-23. Review status: criteria provided, single submitter. Criteria: LabCorp Variant Classification Summary - May 2015. Collection method: clinical testing. Allele origin: germline. Not counted in ClinVar's aggregate classification.
Comment: Variant summary: CAPN3 c.865C>T (p.Arg289Trp) results in a non-conservative amino acid change located in the Peptidase C2, calpain, catalytic domain (IPR001300) of the encoded protein sequence. Four of five in-silico tools predict a damaging effect of the variant on protein function. The variant allele was found at a frequency of 2.4e-05 in 251474 control chromosomes. c.865C>T has been reported in the literature as a compound heterozygous genotype in at-least three individuals with a clinical diagnosis of Limb-Girdle Muscular Dystrophy, Autosomal Recessive (LGMD2A) who have been subsequently included in other studies (example, Milic_2007, Duno_2008, Hauerslev_2012, Stehlikova_2014, Ten Dam_2019, Topf_2020, Barp_2020). These data indicate that the variant may be associated with disease. To our knowledge, no experimental evidence demonstrating an impact on protein function has been reported. Six clinical diagnostic laboratories have submitted clinical-significance assessments for this variant to ClinVar after 2014 without evidence for independent evaluation. All laboratories classified the variant as pathogenic/likely pathogenic. Based on the evidence outlined above, the variant was classified as likely pathogenic.

Kariminejad - Najmabadi Pathology & Genetics Center
Classification: Pathogenic for Abnormality of the musculature. Last evaluated: 2021-07-10. Review status: criteria provided, single submitter. Criteria: ACMG Guidelines, 2015. Collection method: clinical testing. Allele origin: germline. Affected: yes. Not counted in ClinVar's aggregate classification.

Revvity Omics, Revvity
Classification: Likely pathogenic. Last evaluated: 2020-01-06. Review status: criteria provided, single submitter. Criteria: ACMG Guidelines, 2015. Collection method: clinical testing. Allele origin: germline. Not counted in ClinVar's aggregate classification.

Eurofins Ntd Llc (ga)
Classification: Pathogenic. Last evaluated: 2018-05-22. Review status: criteria provided, single submitter. Criteria: EGL ClinVar v180209 classification definitions. Collection method: clinical testing. Allele origin: germline. Observed: 8 variant alleles, 8 heterozygotes. Not counted in ClinVar's aggregate classification.

GeneDx
Classification: Pathogenic. Last evaluated: 2017-04-11. Review status: criteria provided, single submitter. Criteria: GeneDx Variant Classification (06012015). Collection method: clinical testing. Allele origin: germline. Affected: yes. Not counted in ClinVar's aggregate classification.
Comment: The R289W variant in the CAPN3 gene has been reported previously in association with limb-girdle muscular dystrophy type 2A (Milic et al., 2007; Duno et al., 2008). This variant is not observed at a significant frequency in large population cohorts (Lek et al., 2016; 1000 Genomes Consortium et al., 2015; Exome Variant Server). The R289W variant is a non-conservative amino acid substitution, which is likely to impact secondary protein structure as these residues differ in polarity, charge, size and/or other properties. This substitution occurs at a position that is conserved across species. In vitro studies on muscle from an individual who harbored both the R289W variant and a loss of function variant demonstrated absence of calpain-3 protein and absence of enzymatic activity (Milic et al., 2007). We interpret R289W as a pathogenic variant.

Juno Genomics, Hangzhou Juno Genomics, Inc
Classification: Pathogenic for Muscular dystrophy, limb-girdle, autosomal dominant 4; Autosomal recessive limb-girdle muscular dystrophy type 2A. Review status: criteria provided, single submitter. Criteria: ACMG Guidelines, 2015. Collection method: clinical testing. Allele origin: germline. Not counted in ClinVar's aggregate classification.
Comment: Absent from controls (or at extremely low frequency if recessive) in Genome Aggregation Database.;For recessive disorders, detected in trans with a pathogenic variant.;Patient's phenotype or family history is highly specific for a disease with a single genetic etiology.

Kasturba Medical College, Manipal, Kasturba Medical College, Manipal, Manipal Academy of Higher Education, Manipal, India
Classification: Likely pathogenic for Autosomal recessive limb-girdle muscular dystrophy type 2A. Review status: criteria provided, single submitter. Criteria: ACMG Guidelines, 2015. Collection method: research. Allele origin: biparental. Inheritance: Autosomal recessive inheritance. Affected: yes. Observed: 1 heterozygote. Not counted in ClinVar's aggregate classification.
Comment: Parents samples are not available for segregation. The variant c.865C>T is seen in 43 individuals in heterozygous state and absent in homozygous state in the gnomAD (v4.1.0) database. This variant is absent in our in-house data of 3396 exomes.

Counsyl
Classification: Likely pathogenic for Autosomal recessive limb-girdle muscular dystrophy type 2A. Last evaluated: 2017-08-11. Review status: no assertion criteria provided. Collection method: clinical testing. Allele origin: unknown. Not counted in ClinVar's aggregate classification.

Literature cited by the submitters: PubMed 17236769 (cited by 4 submitters); PubMed 18337726 (cited by 4 submitters); PubMed 25135358 (cited by 3 submitters); PubMed 33505349 (cited by Natera, Inc.); PubMed 19015158 (cited by Natera, Inc.); PubMed 22443334 (cited by Natera, Inc. and Women's Health and Genetics/Laboratory Corporation of America, LabCorp); PubMed 31555977 (cited by Women's Health and Genetics/Laboratory Corporation of America, LabCorp); PubMed 32528171 (cited by Women's Health and Genetics/Laboratory Corporation of America, LabCorp); PubMed 30919934 (cited by Women's Health and Genetics/Laboratory Corporation of America, LabCorp); PubMed 35309930 (cited by Kasturba Medical College, Manipal, Kasturba Medical College, Manipal, Manipal Academy of Higher Education, Manipal, India).

NM_000070.3(CAPN3):c.865C>T (p.Arg289Trp)

Gene: CAPN3 (calpain 3; plus strand). Cytogenetic location: 15q15.1.
Variant type: single nucleotide variant.
Coding change: c.865C>T on transcript NM_000070.3 (MANE Select); coding-DNA position 865, C replaced by T.
Protein change: p.Arg289Trp; replaces arginine 289 with tryptophan.
Molecular consequence: missense variant. On other transcripts: intron variant (1).
Genome position (GRCh38, 1-based): chr15:42,390,016, C>T. VCF-style: chr15-42390016-C-T. GRCh37 (hg19) VCF-style: chr15-42682214-C-T.
Other names: NM_000070.3(CAPN3):c.865C>T; p.Arg289Trp; c.865C>T, p.Arg289Trp (NM_024344.2); c.801+920C>T (NM_173087.2); short protein forms R289W.
Identifiers: ClinVar variation 282646 (VCV000282646.49), dbSNP rs528417986, ClinGen allele CA7511150.
Genomic context (GRCh38, chr15:42,390,016, plus strand): 5'-GGCACGAACATGACCTATGGAACCTCTCCTTCTGGTCTGAACATGGGGGAGTTGATTGCA[C>T]GGATGGTAAGGAATATGGATAACTCACTGCTCCAGGACTCAGACCTCGACCCCAGAGGCT-3'
Protein context (NP_000061.1, residues 279-299): SGLNMGELIA[Arg289Trp]MVRNMDNSLL